The following is an entry in ClinVar:

NM_022041.4(GAN):c.682T>C (p.Ser228Pro)

Gene: GAN (gigaxonin; plus strand). Cytogenetic location: 16q23.2.
Variant type: single nucleotide variant.
Coding change: c.682T>C on transcript NM_022041.4 (MANE Select); coding-DNA position 682, T replaced by C.
Protein change: p.Ser228Pro; replaces serine 228 with proline.
Molecular consequence: missense variant.
Genome position (GRCh38, 1-based): chr16:81,356,833, T>C. VCF-style: chr16-81356833-T-C. GRCh37 (hg19) VCF-style: chr16-81390438-T-C.
Other names: c.43T>C, p.Ser15Pro (NM_001377486.1); short protein forms S15P, S228P.
Identifiers: ClinVar variation 1056054 (VCV001056054.13), dbSNP rs150589329, ClinGen allele CA8191451.

ClinVar aggregate classification (germline): Uncertain significance. Review status: criteria provided, multiple submitters, no conflicts (2 of 4 stars). 3 submissions from 3 submitters: Uncertain significance (3). Last evaluated 2025-06-24.

Conditions:
Inborn genetic diseases. Identifiers: MedGen C0950123, MeSH D030342.
Giant axonal neuropathy 1 (GAN1). Also called: GIANT AXONAL NEUROPATHY 1, AUTOSOMAL RECESSIVE; GAN-Related Neurodegeneration. Identifiers: Orphanet 643, MedGen C1850386, MONDO:0009749, OMIM 256850.

Allele frequency attached by ClinVar (database versions not stated): ExAC 0.00001; gnomAD exomes 0.00001 and 0.00003; gnomAD 0.00003 and 0.00004; TOPMed 0.00004; ESP Exome Variant Server 0.00008.
gnomAD v4.1: 43 of 1,613,836 alleles (0.0027%); highest among the groups gnomAD compares: African/African-American, 0.0067%; no homozygotes.

Submissions (3):

GeneDx
Classification: Uncertain significance. Last evaluated: 2025-06-24. Review status: criteria provided, single submitter. Criteria: GeneDx Variant Classification Process June 2021. Collection method: clinical testing. Allele origin: germline. Affected: yes.
Comment: Not observed at significant frequency in large population cohorts (gnomAD); Missense variants in this gene are a common cause of disease and they are underrepresented in the general population; In silico analysis supports that this missense variant has a deleterious effect on protein structure/function; Has not been previously published as pathogenic or benign to our knowledge

Ambry Genetics
Classification: Uncertain significance for Inborn genetic diseases. Last evaluated: 2025-06-07. Review status: criteria provided, single submitter. Criteria: Ambry Variant Classification Scheme 2023. Collection method: clinical testing. Allele origin: germline.

Labcorp Genetics (formerly Invitae), Labcorp
Classification: Uncertain significance for Giant axonal neuropathy 1. Last evaluated: 2022-07-05. Review status: criteria provided, single submitter. Criteria: Invitae Variant Classification Sherloc (09022015). Collection method: clinical testing. Allele origin: germline.
Comment: This sequence change replaces serine, which is neutral and polar, with proline, which is neutral and non-polar, at codon 228 of the GAN protein (p.Ser228Pro). This variant is present in population databases (rs150589329, gnomAD 0.007%). This variant has not been reported in the literature in individuals affected with GAN-related conditions. Algorithms developed to predict the effect of missense changes on protein structure and function (SIFT, PolyPhen-2, Align-GVGD) all suggest that this variant is likely to be tolerated. In summary, the available evidence is currently insufficient to determine the role of this variant in disease. Therefore, it has been classified as a Variant of Uncertain Significance.